The following is an entry in ClinVar:

ClinVar aggregate classification (germline): Pathogenic (1 of 4 stars; one submission).

Submission:

GeneDx
Classification: Pathogenic. Last evaluated: 2025-04-15. Review status: criteria provided, single submitter. Criteria: GeneDx Variant Classification Process June 2021. Collection method: clinical testing. Allele origin: germline. Affected: yes.
Comment: Frameshift variant predicted to result in protein truncation or nonsense mediated decay in a gene for which loss of function is a known mechanism of disease; Not observed at significant frequency in large population cohorts (gnomAD); This variant is associated with the following publications: (PMID: 16996287)

NM_000098.3(CPT2):c.36_43dup (p.Ala15fs)

Genes: CPT2 (carnitine palmitoyltransferase 2; plus strand), LOC129930561 (ATAC-STARR-seq lymphoblastoid silent region 902; plus strand). Cytogenetic location: 1p32.3.
Variant type: Duplication.
Coding change: c.36_43dup on transcript NM_000098.3 (MANE Select); coding-DNA positions 36 to 43, 8 bases duplicated (GGGCCCCG; older notation c.36_43dupGGGCCCCG).
Protein change: p.Ala15fs; shifts the reading frame from alanine 15.
Molecular consequence: frameshift variant.
Genome position (GRCh38, 1-based): chr1:53,196,979-53,196,986, GGGCCCCG duplicated; duplicating any 8 consecutive bases within chr1:53,196,972-53,196,986 gives the same sequence; the c. name uses the placement nearest the transcript's 3' end. VCF-style (leftmost placement, unchanged base first): chr1-53196971-T-TGGCCCCGG. GRCh37 (hg19) VCF-style: chr1-53662643-T-TGGCCCCGG.
Other names: c.36_43dup, p.Ala15fs (NM_001330589.2); short protein forms A15fs.
Identifiers: ClinVar variation 4282347 (VCV004282347.1).
Genomic context (GRCh38, chr1:53,196,971, plus strand): 5'-GCCGCGTTCTCGCCGCCGCAGGCTCCCGGGACGATGGTGCCCCGCCTGCTGCTGCGCGCC[T>TGGCCCCGG]GGCCCCGGGGCCCCGCGGTTGGTCCGGGAGCCCCCAGTCGGCCCCTCAGCGCCGGCTCCG-3'